The following is an entry in ClinVar:

ClinVar aggregate classification (germline): Uncertain significance (1 of 4 stars; one submission).

Conditions:
SEMA3F-related disorder. Also called: SEMA3F-related condition.

Submission:

PreventionGenetics, part of Exact Sciences
Classification: Uncertain significance for SEMA3F-related condition. Last evaluated: 2025-09-02. Review status: criteria provided, single submitter. Criteria: ACMG Guidelines, 2015. Collection method: clinical testing. Allele origin: germline.
Comment: The SEMA3F c.2044G>A variant is predicted to result in the amino acid substitution p.Glu682Lys. To our knowledge, this variant has not been reported in the literature or in a large population database (gnomAD), indicating this variant is rare. At this time, the clinical significance of this variant is uncertain due to the absence of conclusive functional and genetic evidence.

NM_004186.5(SEMA3F):c.2044G>A (p.Glu682Lys)

Gene: SEMA3F (semaphorin 3F; plus strand). Cytogenetic location: 3p21.31.
Variant type: single nucleotide variant.
Coding change: c.2044G>A on transcript NM_004186.5 (MANE Select); coding-DNA position 2044, G replaced by A.
Protein change: p.Glu682Lys; replaces glutamic acid 682 with lysine.
Molecular consequence: missense variant.
Genome position (GRCh38, 1-based): chr3:50,187,801, G>A. VCF-style: chr3-50187801-G-A. GRCh37 (hg19) VCF-style: chr3-50225234-G-A.
Other names: c.1747G>A, p.Glu583Lys (NM_001318798.2); c.1951G>A, p.Glu651Lys (NM_001318800.2); short protein forms E583K, E651K, E682K.
Identifiers: ClinVar variation 4995488 (VCV004995488.1).